The following is an entry in ClinVar:

ClinVar aggregate classification (germline): Uncertain significance (1 of 4 stars; one submission).

Allele frequency attached by ClinVar (database versions not stated): gnomAD exomes below 0.00001.
gnomAD v4.1: 2 of 1,613,084 alleles (0.00012%); highest among the groups gnomAD compares: Non-Finnish European, 0.00017%; no homozygotes.

Submission:

Labcorp Genetics (formerly Invitae), Labcorp
Classification: Uncertain significance. Last evaluated: 2025-06-09. Review status: criteria provided, single submitter. Criteria: Invitae Variant Classification Sherloc (09022015). Collection method: clinical testing. Allele origin: germline.
Comment: This sequence change replaces phenylalanine, which is neutral and non-polar, with serine, which is neutral and polar, at codon 197 of the CFH protein (p.Phe197Ser). This variant is not present in population databases (gnomAD no frequency). This variant has not been reported in the literature in individuals affected with CFH-related conditions. ClinVar contains an entry for this variant (Variation ID: 2900413). An algorithm developed to predict the effect of missense changes on protein structure and function outputs the following: PolyPhen-2: "Benign". The serine amino acid residue is found in multiple mammalian species, which suggests that this missense change does not adversely affect protein function. In summary, the available evidence is currently insufficient to determine the role of this variant in disease. Therefore, it has been classified as a Variant of Uncertain Significance.

NM_000186.4(CFH):c.590T>C (p.Phe197Ser)

Gene: CFH (complement factor H; plus strand). Cytogenetic location: 1q31.3.
Variant type: single nucleotide variant.
Coding change: c.590T>C on transcript NM_000186.4 (MANE Select); coding-DNA position 590, T replaced by C.
Protein change: p.Phe197Ser; replaces phenylalanine 197 with serine.
Molecular consequence: missense variant.
Genome position (GRCh38, 1-based): chr1:196,677,638, T>C. VCF-style: chr1-196677638-T-C. GRCh37 (hg19) VCF-style: chr1-196646768-T-C.
Other names: c.590T>C, p.Phe197Ser (NM_001014975.3); short protein forms F197S.
Identifiers: ClinVar variation 2900413 (VCV002900413.3), dbSNP rs2529345567, ClinGen allele CA343977328.